The following is an entry in ClinVar:

NM_001195.5(BFSP1):c.1332A>G (p.Leu444=)

Gene: BFSP1 (beaded filament structural protein 1; minus strand). Cytogenetic location: 20p12.1.
Variant type: single nucleotide variant.
Coding change: c.1332A>G on transcript NM_001195.5 (MANE Select); coding-DNA position 1332, A replaced by G.
Protein change: p.Leu444=; no amino-acid change (leucine 444 retained).
Molecular consequence: synonymous variant.
Genome position (GRCh38, 1-based): chr20:17,494,740, T>C on the plus strand (A>G on the coding strand, the complement: BFSP1 is on the minus strand). VCF-style: chr20-17494740-T-C. GRCh37 (hg19) VCF-style: chr20-17475385-T-C.
Other names: c.957A>G, p.Leu319= (NM_001161705.2); c.915A>G, p.Leu305= (NM_001278606.2, NM_001278608.2); c.999A>G, p.Leu333= (NM_001278607.2); c.1332A>G (NM_001195.4).
Identifiers: ClinVar variation 2189080 (VCV002189080.6), dbSNP rs147241220, ClinGen allele CA9772082.

ClinVar aggregate classification (germline): Benign. Review status: criteria provided, single submitter (1 of 4 stars). 2 submissions from 2 submitters: Benign (1). 1 of the submissions does not count toward it. Last evaluated 2025-12-25.

Conditions:
BFSP1-related disorder. Also called: BFSP1-related condition.
Cataract 33. Also called: CATARACT 33, CORTICAL. Identifiers: Orphanet 91492, MedGen C3808107, MONDO:0012665, OMIM 611391.

Allele frequency attached by ClinVar (database versions not stated): TOPMed 0.00011; ExAC 0.00234; 1000 Genomes Project 30x 0.00531; 1000 Genomes Project 0.00619.
gnomAD v4.1: 1,702 of 1,614,148 alleles (0.11%); highest among the groups gnomAD compares: South Asian, 1.8%; 30 homozygotes.

Submissions (2):

Labcorp Genetics (formerly Invitae), Labcorp
Classification: Benign for Cataract 33. Last evaluated: 2025-12-25. Review status: criteria provided, single submitter. Criteria: Invitae Variant Classification Sherloc (09022015). Collection method: clinical testing. Allele origin: germline.

PreventionGenetics, part of Exact Sciences
Classification: Benign for BFSP1-related condition. Last evaluated: 2019-06-07. Review status: no assertion criteria provided. Collection method: clinical testing. Allele origin: germline. Not counted in ClinVar's aggregate classification.
Comment: This variant is classified as benign based on ACMG/AMP sequence variant interpretation guidelines (Richards et al. 2015 PMID: 25741868, with internal and published modifications).